The following is an entry in ClinVar:

NM_001346022.3(USP45):c.388T>C (p.Cys130Arg)

Gene: USP45 (ubiquitin specific peptidase 45; minus strand). Cytogenetic location: 6q16.2.
Variant type: single nucleotide variant.
Coding change: c.388T>C on transcript NM_001346022.3 (MANE Select); coding-DNA position 388, T replaced by C.
Protein change: p.Cys130Arg; replaces cysteine 130 with arginine.
Molecular consequence: missense variant. On other transcripts: 5 prime UTR variant (3), non-coding transcript variant (5).
Genome position (GRCh38, 1-based): chr6:99,503,855, A>G on the plus strand (T>C on the coding strand, the complement: USP45 is on the minus strand). VCF-style: chr6-99503855-A-G. GRCh37 (hg19) VCF-style: chr6-99951731-A-G.
Other names: c.388T>C, p.Cys130Arg (NM_001080481.3, NM_001346021.3, NM_001346024.3 and 4 more transcripts); c.385T>C, p.Cys129Arg (NM_001346023.3, NM_001346025.3); c.-738T>C (NM_001346027.3, NM_001346029.3); c.-601T>C (NM_001346028.3); short protein forms C129R, C130R.
Identifiers: ClinVar variation 5020127 (VCV005020127.1).
Genomic context (GRCh38, chr6:99,503,855, plus strand): 5'-GAAAATCAACTATCTGAGCCAAAACCTTCTTATTACAATGCGTTGATAATTTTTCATCAC[A>G]TTCATAACACCTGAAAAAGTATAAAATTTAAGAAAATATTATGAAAATATTCTCAATAAT-3'
Protein context (NP_001332951.1, residues 120-140): LSTWIIWCYE[Cys130Arg]DEKLSTHCNK

ClinVar aggregate classification (germline): Uncertain significance (1 of 4 stars; one submission).

gnomAD v4.1: 4 of 1,580,220 alleles (0.00025%); highest among the groups gnomAD compares: Non-Finnish European, 0.00034%; no homozygotes.

Submission:

Dasa
Classification: Uncertain significance. Last evaluated: 2026-07-25. Review status: criteria provided, single submitter. Criteria: DASA Assertion Criteria. Collection method: clinical testing. Allele origin: germline.
Comment: NM_001346022.3(USP45):c.388T>C (p.Cys130Arg) is a missense variant that results in the substitution of cysteine with arginine. This variant is absent from population databases. Computational prediction algorithms are consistent with a deleterious effect. The currently available literature and clinical evidence are not sufficient to establish a definitive association between this variant and the reported condition. Therefore, this variant is classified as a variant of uncertain significance.